The following is an entry in ClinVar:

NM_001374736.1(DST):c.4195G>A (p.Val1399Ile)

Gene: DST (dystonin; minus strand). Cytogenetic location: 6p12.1.
Variant type: single nucleotide variant.
Coding change: c.4195G>A on transcript NM_001374736.1 (MANE Select); coding-DNA position 4195, G replaced by A.
Protein change: p.Val1399Ile; replaces valine 1399 with isoleucine.
Molecular consequence: missense variant.
Genome position (GRCh38, 1-based): chr6:56,630,331, C>T on the plus strand (G>A on the coding strand, the complement: DST is on the minus strand). VCF-style: chr6-56630331-C-T. GRCh37 (hg19) VCF-style: chr6-56495129-C-T.
Other names: c.4096G>A, p.Val1366Ile (NM_001144769.5); c.3682G>A, p.Val1228Ile (NM_001144770.2); c.4195G>A, p.Val1399Ile (NM_001374722.1); c.3562G>A, p.Val1188Ile (NM_001374729.1, NM_001374730.1, NM_001386100.1 and 1 more transcripts); c.4222G>A, p.Val1408Ile (NM_001374734.1); c.2584G>A, p.Val862Ile (NM_001723.7, NM_015548.5); short protein forms V1228I, V862I, V1188I, V1366I, V1399I, V1408I.
Identifiers: ClinVar variation 664209 (VCV000664209.6), dbSNP rs369090082, ClinGen allele CA3870947.
Genomic context (GRCh38, chr6:56,630,331, plus strand): 5'-TATTATTCTTGTCAGCTATAACTGCTTCTTCTTCACACAGTTTAGTTTCATAGAGTTTTA[C>T]GAGGGCTTCTGCAGCTTGAGTGTTTTTTAACACCAAGTTAACAGTTTTCAACCTTAAAAA-3'
Protein context (NP_001361665.1, residues 1389-1409): LKNTQAAEAL[Val1399Ile]KLYETKLCEE

ClinVar aggregate classification (germline): Uncertain significance (1 of 4 stars; one submission).

Conditions:
Epidermolysis bullosa simplex 3, localized or generalized intermediate, with BP230 deficiency (EBS3). Also called: Epidermolysis bullosa simplex due to BP230 deficiency; Epidermolysis bullosa simplex, autosomal recessive 2. Identifiers: Orphanet 412181, MedGen C3809470, MONDO:0014180, OMIM 615425.
Hereditary sensory and autonomic neuropathy type 6. Also called: HSAN VI; Neuropathy, hereditary sensory and autonomic, type VI. Identifiers: Orphanet 314381, MedGen C3539003, MONDO:0013839, OMIM 614653.

Allele frequency attached by ClinVar (database versions not stated): ExAC 0.00002; gnomAD 0.00002 and 0.00003; TOPMed 0.00002; ESP Exome Variant Server 0.00008.
gnomAD v4.1: 25 of 1,612,668 alleles (0.0016%); highest among the groups gnomAD compares: African/African-American, 0.004%; no homozygotes.

Submission:

Labcorp Genetics (formerly Invitae), Labcorp
Classification: Uncertain significance for Epidermolysis bullosa simplex 3, localized or generalized intermediate, with BP230 deficiency; Hereditary sensory and autonomic neuropathy type 6. Last evaluated: 2022-03-11. Review status: criteria provided, single submitter. Criteria: Invitae Variant Classification Sherloc (09022015). Collection method: clinical testing. Allele origin: germline.
Comment: This sequence change replaces valine, which is neutral and non-polar, with isoleucine, which is neutral and non-polar, at codon 862 of the DST protein (p.Val862Ile). This variant is present in population databases (rs369090082, gnomAD 0.007%). This variant has not been reported in the literature in individuals affected with DST-related conditions. ClinVar contains an entry for this variant (Variation ID: 664209). Algorithms developed to predict the effect of missense changes on protein structure and function (SIFT, PolyPhen-2, Align-GVGD) all suggest that this variant is likely to be disruptive. In summary, the available evidence is currently insufficient to determine the role of this variant in disease. Therefore, it has been classified as a Variant of Uncertain Significance.